The following is an entry in ClinVar:

NM_021008.4(DEAF1):c.46G>T (p.Ala16Ser)

Gene: DEAF1 (DEAF1 transcription factor; minus strand). Cytogenetic location: 11p15.5.
Variant type: single nucleotide variant.
Coding change: c.46G>T on transcript NM_021008.4 (MANE Select); coding-DNA position 46, G replaced by T.
Protein change: p.Ala16Ser; replaces alanine 16 with serine.
Molecular consequence: missense variant. On other transcripts: intron variant (1).
Genome position (GRCh38, 1-based): chr11:695,002, C>A on the plus strand (G>T on the coding strand, the complement: DEAF1 is on the minus strand). VCF-style: chr11-695002-C-A. GRCh37 (hg19) VCF-style: chr11-695002-C-A.
Other names: c.46G>T, p.Ala16Ser (NM_001293634.2); c.-437-3404G>T (NM_001367390.1); short protein forms A16S.
Identifiers: ClinVar variation 2086585 (VCV002086585.4), dbSNP rs2494508550, ClinGen allele CA378940521.

ClinVar aggregate classification (germline): Uncertain significance (1 of 4 stars; one submission).

Submission:

Labcorp Genetics (formerly Invitae), Labcorp
Classification: Uncertain significance. Last evaluated: 2022-01-17. Review status: criteria provided, single submitter. Criteria: Invitae Variant Classification Sherloc (09022015). Collection method: clinical testing. Allele origin: germline.
Comment: In summary, the available evidence is currently insufficient to determine the role of this variant in disease. Therefore, it has been classified as a Variant of Uncertain Significance. Algorithms developed to predict the effect of missense changes on protein structure and function are either unavailable or do not agree on the potential impact of this missense change (SIFT: "Deleterious"; PolyPhen-2: "Benign"; Align-GVGD: "Class C0"). This variant has not been reported in the literature in individuals affected with DEAF1-related conditions. This variant is not present in population databases (gnomAD no frequency). This sequence change replaces alanine, which is neutral and non-polar, with serine, which is neutral and polar, at codon 16 of the DEAF1 protein (p.Ala16Ser).